The following is an entry in ClinVar:

NM_001134407.3(GRIN2A):c.1925T>G (p.Leu642Arg)

Gene: GRIN2A (glutamate ionotropic receptor NMDA type subunit 2A; minus strand). Cytogenetic location: 16p13.2.
Variant type: single nucleotide variant.
Coding change: c.1925T>G on transcript NM_001134407.3 (MANE Select); coding-DNA position 1925, T replaced by G.
Protein change: p.Leu642Arg; replaces leucine 642 with arginine.
Molecular consequence: missense variant.
Genome position (GRCh38, 1-based): chr16:9,829,505, A>C on the plus strand (T>G on the coding strand, the complement: GRIN2A is on the minus strand). VCF-style: chr16-9829505-A-C. GRCh37 (hg19) VCF-style: chr16-9923362-A-C.
Other names: c.1925T>G, p.Leu642Arg (NM_000833.5, NM_001134408.2); short protein forms L642R.
Identifiers: ClinVar variation 985631 (VCV000985631.3), dbSNP rs2042448519, ClinGen allele CA394799389.

ClinVar aggregate classification (germline): Likely pathogenic (1 of 4 stars; one submission).

Conditions:
Inborn genetic diseases. Identifiers: MedGen C0950123, MeSH D030342.

Submission:

Ambry Genetics
Classification: Likely pathogenic for Inborn genetic diseases. Last evaluated: 2018-03-18. Review status: criteria provided, single submitter. Criteria: Ambry Variant Classification Scheme 2023. Collection method: clinical testing. Allele origin: germline.
Comment: The p.L642R variant (also known as c.1925T>G), located in coding exon 8 of the GRIN2A gene, results from a T to G substitution at nucleotide position 1925. The leucine at codon 642 is replaced by arginine, an amino acid with dissimilar properties. Based on internal structural analysis, this variant sits at the interface between proteins and is anticipated to result in a significant decrease in structural stability (Lee CH et al. Nature, 2014 Jul;511:191-7). This amino acid position is highly conserved in available vertebrate species. In addition, this alteration is predicted to be deleterious by in silico analysis. Based on the majority of available evidence to date, this variant is likely to be pathogenic.

Literature cited by the submitters: PubMed 25008524.